The following is an entry in ClinVar:

ClinVar aggregate classification (germline): Pathogenic. Review status: criteria provided, single submitter (1 of 4 stars). 2 submissions from 2 submitters: Pathogenic (1). 1 of the submissions does not count toward it. Last evaluated 2021-03-01.

Conditions:
Marfan syndrome (MFS). Also called: Marfan syndrome type 1; Marfan syndrome, classic; Marfan's syndrome; FBN1-Related Marfan Syndrome; MARFAN SYNDROME, TYPE I. Identifiers: Orphanet 284963, Orphanet 558, MedGen C0024796, MONDO:0007947, OMIM 154700.

Submissions (2):

Centre of Medical Genetics, University of Antwerp
Classification: Pathogenic for Marfan syndrome. Last evaluated: 2021-03-01. Review status: criteria provided, single submitter. Criteria: Submitter's publication. Collection method: research. Allele origin: unknown. Affected: yes.
Comment: PM2, PVS1, PP4

Center for Medical Genetics Ghent, University of Ghent
Classification: Likely pathogenic for Marfan syndrome. Last evaluated: 2017-11-07. Review status: no assertion criteria provided. Collection method: clinical testing. Allele origin: germline. Affected: yes. Not counted in ClinVar's aggregate classification.

NM_000138.5(FBN1):c.5061C>A (p.Cys1687Ter)

Gene: FBN1 (fibrillin 1; minus strand). Cytogenetic location: 15q21.1.
Variant type: single nucleotide variant.
Coding change: c.5061C>A on transcript NM_000138.5 (MANE Select); coding-DNA position 5061, C replaced by A.
Protein change: p.Cys1687Ter; replaces cysteine 1687 with a stop codon.
Molecular consequence: nonsense.
Genome position (GRCh38, 1-based): chr15:48,463,903, G>T on the plus strand (C>A on the coding strand, the complement: FBN1 is on the minus strand). VCF-style: chr15-48463903-G-T. GRCh37 (hg19) VCF-style: chr15-48756100-G-T.
Other names: short protein forms C1687*.
Identifiers: ClinVar variation 549260 (VCV000549260.18), dbSNP rs1555396838, ClinGen allele CA392349511.